The following is an entry in ClinVar:

NM_007294.4(BRCA1):c.5400T>G (p.Leu1800=)

Gene: BRCA1 (BRCA1 DNA repair associated; minus strand). Cytogenetic location: 17q21.31.
Variant type: single nucleotide variant.
Coding change: c.5400T>G on transcript NM_007294.4 (MANE Select); coding-DNA position 5400, T replaced by G.
Protein change: p.Leu1800=; no amino-acid change (leucine 1800 retained).
Molecular consequence: synonymous variant. On other transcripts: intron variant (19).
Genome position (GRCh38, 1-based): chr17:43,049,127, A>C on the plus strand (T>G on the coding strand, the complement: BRCA1 is on the minus strand). VCF-style: chr17-43049127-A-C. GRCh37 (hg19) VCF-style: chr17-41201144-A-C.
Other names: c.1875T>G, p.Leu625= (NM_001408493.1, NM_001408492.1); c.1851T>G, p.Leu617= (NM_001408494.1); c.1845T>G, p.Leu615= (NM_001408495.1); c.1827T>G, p.Leu609= (NM_001408496.1, NM_001408497.1, NM_001408498.1 and 3 more transcripts); c.1824T>G, p.Leu608= (NM_001408502.1, NM_001408503.1, NM_001408504.1); c.1821T>G, p.Leu607= (NM_001408505.1); c.1764T>G, p.Leu588= (NM_001408506.1); c.1761T>G, p.Leu587= (NM_001408507.1); and 84 more.
Identifiers: ClinVar variation 865423 (VCV000865423.3), dbSNP rs2051073782, ClinGen allele CA500143277.

Conditions:
Breast-ovarian cancer, familial, susceptibility to, 1 (BROVCA1). Also called: BRCA1 Hereditary Breast and Ovarian Cancer; OVARIAN CANCER, SUSCEPTIBILITY TO. Identifiers: Orphanet 145, MedGen C2676676, MONDO:0011450, OMIM 604370. Disease mechanism: loss of function.

Submission:

Brotman Baty Institute, University of Washington
No classification provided (evidence only). Condition: Breast-ovarian cancer, familial 1. Review status: no classification provided. Collection method: in vitro. Allele origin: not applicable. Functional consequence: functionally_normal.
ClinVar note: "not provided" was previously submitted as the classification for the variant. However, the classification appeared to be based only on an observation of functional data so it was converted to no classification on 2025-07-30.